The following is an entry in ClinVar:

NM_004960.4(FUS):c.1457G>T (p.Gly486Val)

Gene: FUS (FUS RNA binding protein; plus strand). Cytogenetic location: 16p11.2.
Variant type: single nucleotide variant.
Coding change: c.1457G>T on transcript NM_004960.4 (MANE Select); coding-DNA position 1457, G replaced by T.
Protein change: p.Gly486Val; replaces glycine 486 with valine.
Molecular consequence: missense variant. On other transcripts: non-coding transcript variant (1).
Genome position (GRCh38, 1-based): chr16:31,191,026, G>T. VCF-style: chr16-31191026-G-T. GRCh37 (hg19) VCF-style: chr16-31202347-G-T.
Other names: c.1454G>T, p.Gly485Val (NM_001170634.1); c.1445G>T, p.Gly482Val (NM_001170937.1); short protein forms G482V, G485V, G486V.
Identifiers: ClinVar variation 3752571 (VCV003752571.2).

ClinVar aggregate classification (germline): Uncertain significance (1 of 4 stars; one submission).

Conditions:
Amyotrophic lateral sclerosis type 6. Also called: FUS-Related Amyotrophic Laterial Sclerosis; AMYOTROPHIC LATERAL SCLEROSIS 6 WITHOUT FRONTOTEMPORAL DEMENTIA; Amyotrophic lateral sclerosis 6, with or without frontotemporal dementia. Identifiers: Orphanet 275872, Orphanet 803, MedGen C2931786, MONDO:0011951, OMIM 608030.
Tremor, hereditary essential, 4 (ETM4). Identifiers: MedGen C3539195, MONDO:0013888, OMIM 614782.

gnomAD v4.1: 1 of 1,613,924 alleles (0.000062%); highest among the groups gnomAD compares: Non-Finnish European, 0.000085%; no homozygotes.

Submission:

Labcorp Genetics (formerly Invitae), Labcorp
Classification: Uncertain significance for Tremor, hereditary essential, 4; Amyotrophic lateral sclerosis type 6. Last evaluated: 2025-03-05. Review status: criteria provided, single submitter. Criteria: Invitae Variant Classification Sherloc (09022015). Collection method: clinical testing. Allele origin: germline.
Comment: This sequence change replaces glycine, which is neutral and non-polar, with valine, which is neutral and non-polar, at codon 486 of the FUS protein (p.Gly486Val). This variant is not present in population databases (gnomAD no frequency). This variant has not been reported in the literature in individuals affected with FUS-related conditions. An algorithm developed to predict the effect of missense changes on protein structure and function (PolyPhen-2) suggests that this variant is likely to be disruptive. In summary, the available evidence is currently insufficient to determine the role of this variant in disease. Therefore, it has been classified as a Variant of Uncertain Significance.